The following is an entry in ClinVar:

ClinVar aggregate classification (germline): Uncertain significance (1 of 4 stars; one submission).

Conditions:
Congenital myopathy 4B, autosomal recessive. Also called: Nemaline myopathy 1, autosomal dominant or recessive. Identifiers: Orphanet 171433, Orphanet 171439, Orphanet 171881, MedGen C5829889, MONDO:0012239, OMIM 609284.
Congenital myopathy with fiber type disproportion. Also called: Congenital fiber-type disproportion; Congenital fiber-type disproportion myopathy. Identifiers: Orphanet 2020, MedGen C0546264, MONDO:0009711. Inheritance: all.

Submission:

Labcorp Genetics (formerly Invitae), Labcorp
Classification: Uncertain significance for Congenital myopathy with fiber type disproportion; Congenital myopathy 4B, autosomal recessive. Last evaluated: 2025-02-22. Review status: criteria provided, single submitter. Criteria: Invitae Variant Classification Sherloc (09022015). Collection method: clinical testing. Allele origin: germline.
Comment: This sequence change replaces asparagine, which is neutral and polar, with tyrosine, which is neutral and polar, at codon 200 of the TPM3 protein (p.Asn200Tyr). This variant is not present in population databases (gnomAD no frequency). This variant has not been reported in the literature in individuals affected with TPM3-related conditions. Invitae Evidence Modeling of protein sequence and biophysical properties (such as structural, functional, and spatial information, amino acid conservation, physicochemical variation, residue mobility, and thermodynamic stability) indicates that this missense variant is not expected to disrupt TPM3 protein function with a negative predictive value of 80%. In summary, the available evidence is currently insufficient to determine the role of this variant in disease. Therefore, it has been classified as a Variant of Uncertain Significance.

NM_152263.4(TPM3):c.598A>T (p.Asn200Tyr)

Gene: TPM3 (tropomyosin 3; minus strand). Cytogenetic location: 1q21.3.
Variant type: single nucleotide variant.
Coding change: c.598A>T on transcript NM_152263.4 (MANE Select); coding-DNA position 598, A replaced by T.
Protein change: p.Asn200Tyr; replaces asparagine 200 with tyrosine.
Molecular consequence: missense variant. On other transcripts: intron variant (8).
Genome position (GRCh38, 1-based): chr1:154,171,457, T>A on the plus strand (A>T on the coding strand, the complement: TPM3 is on the minus strand). VCF-style: chr1-154171457-T-A. GRCh37 (hg19) VCF-style: chr1-154143933-T-A.
Other names: c.487A>T, p.Asn163Tyr (NM_001043351.2, NM_001043353.2, NM_001349679.2); c.217A>T, p.Asn73Tyr (NM_001278191.2); c.598A>T, p.Asn200Tyr (NM_001364679.2, NM_001364681.2); c.642+572A>T (NM_001364680.2, NM_001364682.1); c.333+572A>T (NM_001278188.2); c.531+572A>T (NM_001278190.2, NM_153649.4, NM_001043352.2 and 2 more transcripts); short protein forms N163Y, N200Y, N73Y.
Identifiers: ClinVar variation 4791035 (VCV004791035.1).